The following is an entry in ClinVar:

ClinVar aggregate classification (germline): Uncertain significance (1 of 4 stars; one submission).

Conditions:
Cataract 36. Identifiers: MedGen C3151304, MONDO:0013484, OMIM 613887.

Submission:

Labcorp Genetics (formerly Invitae), Labcorp
Classification: Uncertain significance for Cataract 36. Last evaluated: 2024-03-07. Review status: criteria provided, single submitter. Criteria: Invitae Variant Classification Sherloc (09022015). Collection method: clinical testing. Allele origin: germline.
Comment: This sequence change replaces tyrosine, which is neutral and polar, with cysteine, which is neutral and slightly polar, at codon 501 of the TDRD7 protein (p.Tyr501Cys). This variant is not present in population databases (gnomAD no frequency). This variant has not been reported in the literature in individuals affected with TDRD7-related conditions. An algorithm developed to predict the effect of missense changes on protein structure and function (PolyPhen-2) suggests that this variant is likely to be disruptive. In summary, the available evidence is currently insufficient to determine the role of this variant in disease. Therefore, it has been classified as a Variant of Uncertain Significance.

NM_014290.3(TDRD7):c.1502A>G (p.Tyr501Cys)

Genes: TDRD7 (tudor domain containing 7; plus strand), LOC126860694 (BRD4-independent group 4 enhancer GRCh37_chr9:100226535-100227734; plus strand). Cytogenetic location: 9q22.33.
Variant type: single nucleotide variant.
Coding change: c.1502A>G on transcript NM_014290.3 (MANE Select); coding-DNA position 1502, A replaced by G.
Protein change: p.Tyr501Cys; replaces tyrosine 501 with cysteine.
Molecular consequence: missense variant.
Genome position (GRCh38, 1-based): chr9:97,464,901, A>G. VCF-style: chr9-97464901-A-G. GRCh37 (hg19) VCF-style: chr9-100227183-A-G.
Other names: c.1280A>G, p.Tyr427Cys (NM_001302884.2); short protein forms Y501C, Y427C.
Identifiers: ClinVar variation 3632836 (VCV003632836.1).
Genomic context (GRCh38, chr9:97,464,901, plus strand): 5'-GGTATGTGGGCAAAGACTATTCTGCTGCTCAGGAATTAATGGAAGATGAGATGAAGGAAT[A>G]TTACAGTAAGAATCCTAAGATCACACCAGTCCAGGCTGTGAATGTTGGGCAGTTGCTGGC-3'
Protein context (NP_055105.2, residues 491-511): QELMEDEMKE[Tyr501Cys]YSKNPKITPV